The following is an entry in ClinVar:

ClinVar aggregate classification (germline): Uncertain significance (1 of 4 stars; one submission).

Conditions:
Primary intraosseous venous malformation. Also called: Vascular malformation, primary intraosseous; VASCULAR MALFORMATION OSSEOUS; HEMANGIOMA, INTRAOSSEOUS. Identifiers: Orphanet 140436, MedGen C1847197, MONDO:0011744, OMIM 606893.

Submission:

Clinical Genomics Laboratory, Washington University in St. Louis
Classification: Uncertain significance for Primary intraosseous venous malformation. Last evaluated: 2025-08-19. Review status: criteria provided, single submitter. Criteria: ACMG Guidelines, 2015. Collection method: clinical testing. Allele origin: germline.
Comment: An ELMO2 c.670C>T (p.Leu224Phe) variant was identified at a heterozygous allelic fraction of 49.7%, a frequency which may be consistent with germline origin. This variant, to our knowledge, has not been reported in the medical literature. This variant is only observed on 21/1,613,912 alleles in the general population (gnomAD v4.1.0), indicating it is not a common variant. Computational predictors suggest that the variant does not impact ELMO2 function. Due to limited information, and based on ACMG/AMP guidelines for variant interpretation (Richards S et al., PMID: 25741868), the clinical significance of this variant is uncertain at this time.

NM_133171.5(ELMO2):c.670C>T (p.Leu224Phe)

Gene: ELMO2 (engulfment and cell motility 2; minus strand). Cytogenetic location: 20q13.12.
Variant type: single nucleotide variant.
Coding change: c.670C>T on transcript NM_133171.5 (MANE Select); coding-DNA position 670, C replaced by T.
Protein change: p.Leu224Phe; replaces leucine 224 with phenylalanine.
Molecular consequence: missense variant.
Genome position (GRCh38, 1-based): chr20:46,386,131, G>A on the plus strand (C>T on the coding strand, the complement: ELMO2 is on the minus strand). VCF-style: chr20-46386131-G-A. GRCh37 (hg19) VCF-style: chr20-45014770-G-A.
Other names: c.406C>T, p.Leu136Phe (NM_001318253.2); c.670C>T, p.Leu224Phe (NM_182764.3); short protein forms L136F, L224F.
Identifiers: ClinVar variation 4279909 (VCV004279909.1).